The following is an entry in ClinVar:

ClinVar aggregate classification (germline): Uncertain significance (1 of 4 stars; one submission).

Conditions:
Hereditary cancer-predisposing syndrome. Also called: Neoplastic Syndromes, Hereditary; Tumor predisposition; Hereditary neoplastic syndrome; Hereditary Cancer Syndrome. Identifiers: Orphanet 140162, MedGen C0027672, MeSH D009386, MONDO:0015356.

gnomAD v4.1: 3 of 1,611,990 alleles (0.00019%); highest among the groups gnomAD compares: African/African-American, 0.004%; no homozygotes.

Submission:

Ambry Genetics
Classification: Uncertain significance for Hereditary cancer-predisposing syndrome. Last evaluated: 2026-07-07. Review status: criteria provided, single submitter. Criteria: Ambry Variant Classification Scheme 2023. Collection method: clinical testing. Allele origin: germline.
Comment: The p.I130F variant (also known as c.388A>T), located in coding exon 5 of the SDHC gene, results from an A to T substitution at nucleotide position 388. The isoleucine at codon 130 is replaced by phenylalanine, an amino acid with highly similar properties. This amino acid position is conserved. In addition, this alteration is predicted to be tolerated by in silico analysis. Based on the available evidence, the clinical significance of this variant remains unclear.

NM_003001.5(SDHC):c.*42A>T

Gene: SDHC (succinate dehydrogenase complex subunit C; plus strand). Cytogenetic location: 1q23.3.
Variant type: single nucleotide variant.
Coding change: c.*42A>T on transcript NM_003001.5 (MANE Select); 42 bases downstream of the stop codon, A replaced by T.
Molecular consequence: 3 prime UTR variant. On other transcripts: missense variant (3), non-coding transcript variant (1).
Genome position (GRCh38, 1-based): chr1:161,362,475, A>T. VCF-style: chr1-161362475-A-T. GRCh37 (hg19) VCF-style: chr1-161332265-A-T.
Other names: c.388A>T, p.Ile130Phe (NM_001035511.3); c.*42A>T (NM_001035512.3, NM_001035513.3, NM_001407115.1 and 5 more transcripts); c.286A>T, p.Ile96Phe (NM_001278172.3); c.331A>T, p.Ile111Phe (NM_001407121.1); short protein forms I130F, I111F, I96F.
Identifiers: ClinVar variation 5029358 (VCV005029358.1).
Genomic context (GRCh38, chr1:161,362,475, plus strand): 5'-GGGGCTGGCAGCCATGTGAAGAAAGGAGGCTCCCAGCATCATCTTCCTACACATTATTAC[A>T]TTCACCCATCTTTCTGTTTGTCATTCTTATCTCCAGCCTGGGAAAAGTTCTCCTTATTTG-3'